The following is an entry in ClinVar:

NM_018013.4(SOBP):c.574-3C>T

Gene: SOBP (sine oculis binding protein homolog; plus strand). Cytogenetic location: 6q21.
Variant type: single nucleotide variant.
Coding change: c.574-3C>T on transcript NM_018013.4 (MANE Select); 3 bases into the intron before coding-DNA position 574, C replaced by T.
Molecular consequence: intron variant.
Genome position (GRCh38, 1-based): chr6:107,587,077, C>T. VCF-style: chr6-107587077-C-T. GRCh37 (hg19) VCF-style: chr6-107908281-C-T.
Identifiers: ClinVar variation 1032015 (VCV001032015.1), dbSNP rs774870156, ClinGen allele CA3946379.

ClinVar aggregate classification (germline): Uncertain significance (1 of 4 stars; one submission).

Conditions:
Impaired intellectual development, anterior maxillary protrusion, and strabismus. Also called: Intellectual disability, anterior maxillary protrusion, and strabismus. Identifiers: Orphanet 562559, MedGen C3150924, MONDO:0013353, OMIM 613671.

Allele frequency attached by ClinVar (database versions not stated): gnomAD exomes 0.00001 and 0.00002; TOPMed 0.00001; ExAC 0.00001; gnomAD 0.00001.
gnomAD v4.1: 26 of 1,612,160 alleles (0.0016%); highest among the groups gnomAD compares: Non-Finnish European, 0.0022%; no homozygotes.

Submission:

Baylor Genetics
Classification: Uncertain significance for Impaired intellectual development, anterior maxillary protrusion, and strabismus. Last evaluated: 2018-02-26. Review status: criteria provided, single submitter. Criteria: ACMG Guidelines, 2015. Collection method: clinical testing. Allele origin: maternal. Affected: yes.
Comment: This variant was determined to be of uncertain significance according to ACMG Guidelines, 2015 [PMID:25741868].